The following is an entry in ClinVar:

NM_000432.4(MYL2):c.328G>A (p.Gly110Ser)

Gene: MYL2 (myosin light chain 2; minus strand). Cytogenetic location: 12q24.11.
Variant type: single nucleotide variant.
Coding change: c.328G>A on transcript NM_000432.4 (MANE Select); coding-DNA position 328, G replaced by A.
Protein change: p.Gly110Ser; replaces glycine 110 with serine.
Molecular consequence: missense variant.
Genome position (GRCh38, 1-based): chr12:110,913,271, C>T on the plus strand (G>A on the coding strand, the complement: MYL2 is on the minus strand). VCF-style: chr12-110913271-C-T. GRCh37 (hg19) VCF-style: chr12-111351075-C-T.
Other names: c.286G>A, p.Gly96Ser (NM_001406745.1, NM_001406746.1); c.271G>A, p.Gly91Ser (NM_001406916.1); short protein forms G110S, G91S, G96S.
Identifiers: ClinVar variation 1729834 (VCV001729834.2), dbSNP rs2071666623, ClinGen allele CA386697956.

ClinVar aggregate classification (germline): Uncertain significance (1 of 4 stars; one submission).

Conditions:
Cardiovascular phenotype. Identifiers: MedGen CN230736.

Allele frequency attached by ClinVar (database versions not stated): gnomAD exomes below 0.00001; TOPMed below 0.00001.
gnomAD v4.1: 1 of 1,614,248 alleles (0.000062%); highest among the groups gnomAD compares: Non-Finnish European, 0.000085%; no homozygotes.

Submission:

Ambry Genetics
Classification: Uncertain significance for Cardiovascular phenotype. Last evaluated: 2022-09-30. Review status: criteria provided, single submitter. Criteria: Ambry Variant Classification Scheme 2023. Collection method: clinical testing. Allele origin: germline.
Comment: The p.G110S variant (also known as c.328G>A), located in coding exon 5 of the MYL2 gene, results from a G to A substitution at nucleotide position 328. The glycine at codon 110 is replaced by serine, an amino acid with similar properties. This amino acid position is conserved. In addition, this alteration is predicted to be deleterious by in silico analysis. Since supporting evidence is limited at this time, the clinical significance of this alteration remains unclear.